The following is an entry in ClinVar:

ClinVar aggregate classification (germline): Conflicting classifications of pathogenicity. Review status: criteria provided, conflicting classifications (1 of 4 stars). 4 submissions from 4 submitters: Uncertain significance (3); Likely benign (1). Last evaluated 2025-10-08.

Conditions:
SLC34A3-related disorder. Also called: SLC34A3-related condition.
Autosomal recessive hypophosphatemic bone disease (HHRH). Also called: HYPERCALCIURIC RICKETS; Hypophosphatemic rickets with hypercalciuria. Identifiers: Orphanet 157215, MedGen C1853271, MONDO:0009431, OMIM 241530.

Allele frequency attached by ClinVar (database versions not stated): ESP Exome Variant Server 0.00015; 1000 Genomes Project 30x 0.00016; TOPMed 0.00017; 1000 Genomes Project 0.00020; gnomAD exomes 0.00021 and 0.00027; gnomAD 0.00022 and 0.00024; ExAC 0.00024.
gnomAD v4.1: 334 of 1,612,790 alleles (0.021%); highest among the groups gnomAD compares: Non-Finnish European, 0.017%; no homozygotes.

Submissions (4):

PreventionGenetics, part of Exact Sciences
Classification: Likely benign for SLC34A3-related condition. Last evaluated: 2025-10-08. Review status: criteria provided, single submitter. Criteria: ACMG Guidelines, 2015. Collection method: clinical testing. Allele origin: germline.
Comment: This variant is classified as likely benign based on ACMG/AMP sequence variant interpretation guidelines (Richards et al. 2015 PMID: 25741868, with internal and published modifications).

Labcorp Genetics (formerly Invitae), Labcorp
Classification: Uncertain significance. Last evaluated: 2024-10-27. Review status: criteria provided, single submitter. Criteria: Invitae Variant Classification Sherloc (09022015). Collection method: clinical testing. Allele origin: germline.
Comment: This sequence change replaces serine, which is neutral and polar, with glycine, which is neutral and non-polar, at codon 261 of the SLC34A3 protein (p.Ser261Gly). This variant is present in population databases (rs201964796, gnomAD 0.2%). This variant has not been reported in the literature in individuals affected with SLC34A3-related conditions. ClinVar contains an entry for this variant (Variation ID: 436755). Invitae Evidence Modeling of protein sequence and biophysical properties (such as structural, functional, and spatial information, amino acid conservation, physicochemical variation, residue mobility, and thermodynamic stability) indicates that this missense variant is not expected to disrupt SLC34A3 protein function with a negative predictive value of 80%. In summary, the available evidence is currently insufficient to determine the role of this variant in disease. Therefore, it has been classified as a Variant of Uncertain Significance.

Fulgent Genetics
Classification: Uncertain significance for Autosomal recessive hypophosphatemic bone disease. Last evaluated: 2022-05-17. Review status: criteria provided, single submitter. Criteria: ACMG Guidelines, 2015. Collection method: clinical testing. Allele origin: unknown.

Genetic Services Laboratory, University of Chicago
Classification: Uncertain significance. Last evaluated: 2016-11-07. Review status: criteria provided, single submitter. Criteria: ACMG Guidelines, 2015. Collection method: clinical testing. Allele origin: germline. Affected: no.

NM_001177316.2(SLC34A3):c.781A>G (p.Ser261Gly)

Gene: SLC34A3 (solute carrier family 34 member 3; plus strand). Cytogenetic location: 9q34.3.
Variant type: single nucleotide variant.
Coding change: c.781A>G on transcript NM_001177316.2 (MANE Select); coding-DNA position 781, A replaced by G.
Protein change: p.Ser261Gly; replaces serine 261 with glycine.
Molecular consequence: missense variant.
Genome position (GRCh38, 1-based): chr9:137,233,657, A>G. VCF-style: chr9-137233657-A-G. GRCh37 (hg19) VCF-style: chr9-140128109-A-G.
Other names: c.781A>G, p.Ser261Gly (NM_001177317.2, NM_080877.3); short protein forms S261G.
Identifiers: ClinVar variation 436755 (VCV000436755.12), dbSNP rs201964796, ClinGen allele CA5364593.